The following is an entry in ClinVar:

NM_001048166.1(STIL):c.3257C>T (p.Ser1086Leu)

Gene: STIL (STIL centriolar assembly protein; minus strand). Cytogenetic location: 1p33.
Variant type: single nucleotide variant.
Coding change: c.3257C>T on transcript NM_001048166.1 (MANE Select); coding-DNA position 3257, C replaced by T.
Protein change: p.Ser1086Leu; replaces serine 1086 with leucine.
Molecular consequence: missense variant.
Genome position (GRCh38, 1-based): chr1:47,251,746, G>A on the plus strand (C>T on the coding strand, the complement: STIL is on the minus strand). VCF-style: chr1-47251746-G-A. GRCh37 (hg19) VCF-style: chr1-47717418-G-A.
Other names: c.3254C>T, p.Ser1085Leu (NM_001282936.1, NM_003035.2); c.3203C>T, p.Ser1068Leu (NM_001282937.1); c.3116C>T, p.Ser1039Leu (NM_001282938.1, NM_001377417.1); c.3062C>T, p.Ser1021Leu (NM_001282939.1); short protein forms S1021L, S1039L, S1068L, S1085L, S1086L.
Identifiers: ClinVar variation 1311978 (VCV001311978.2), dbSNP rs190918041, ClinGen allele CA841994.

ClinVar aggregate classification (germline): Uncertain significance (1 of 4 stars; one submission).

Allele frequency attached by ClinVar (database versions not stated): gnomAD 0.00001 and 0.00002; ExAC 0.00002; gnomAD exomes 0.00002 and 0.00004; TOPMed 0.00002; 1000 Genomes Project 30x 0.00016; 1000 Genomes Project 0.00020.
gnomAD v4.1: 38 of 1,614,054 alleles (0.0024%); highest among the groups gnomAD compares: Middle Eastern, 0.017%; no homozygotes.

Submission:

GeneDx
Classification: Uncertain significance. Last evaluated: 2020-11-20. Review status: criteria provided, single submitter. Criteria: GeneDx Variant Classification Process June 2021. Collection method: clinical testing. Allele origin: germline. Affected: yes.
Comment: Has not been previously published as pathogenic or benign to our knowledge; In silico analysis supports that this missense variant has a deleterious effect on protein structure/function